The following is an entry in ClinVar:

NM_172369.5(C1QC):c.23T>C (p.Leu8Pro)

Gene: C1QC (complement C1q C chain; plus strand). Cytogenetic location: 1p36.12.
Variant type: single nucleotide variant.
Coding change: c.23T>C on transcript NM_172369.5 (MANE Select); coding-DNA position 23, T replaced by C.
Protein change: p.Leu8Pro; replaces leucine 8 with proline.
Molecular consequence: missense variant. On other transcripts: intron variant (1).
Genome position (GRCh38, 1-based): chr1:22,644,046, T>C. VCF-style: chr1-22644046-T-C. GRCh37 (hg19) VCF-style: chr1-22970539-T-C.
Other names: c.23T>C, p.Leu8Pro (NM_001114101.3, NM_001347619.2); c.-87+332T>C (NM_001347620.2); short protein forms L8P.
Identifiers: ClinVar variation 1909182 (VCV001909182.5), dbSNP rs2148294447, ClinGen allele CA338932385.

ClinVar aggregate classification (germline): Uncertain significance (1 of 4 stars; one submission).

Allele frequency attached by ClinVar (database versions not stated): gnomAD exomes below 0.00001.
gnomAD v4.1: 1 of 1,587,714 alleles (0.000063%); highest among the groups gnomAD compares: South Asian, 0.0012%; no homozygotes.

Submission:

Labcorp Genetics (formerly Invitae), Labcorp
Classification: Uncertain significance. Last evaluated: 2022-07-15. Review status: criteria provided, single submitter. Criteria: Invitae Variant Classification Sherloc (09022015). Collection method: clinical testing. Allele origin: germline.
Comment: In summary, the available evidence is currently insufficient to determine the role of this variant in disease. Therefore, it has been classified as a Variant of Uncertain Significance. Algorithms developed to predict the effect of missense changes on protein structure and function are either unavailable or do not agree on the potential impact of this missense change (SIFT: "Deleterious"; PolyPhen-2: "Benign"; Align-GVGD: "Class C0"). This sequence change replaces leucine, which is neutral and non-polar, with proline, which is neutral and non-polar, at codon 8 of the C1QC protein (p.Leu8Pro). This variant is not present in population databases (gnomAD no frequency). This variant has not been reported in the literature in individuals affected with C1QC-related conditions.